The following is an entry in ClinVar:

ClinVar aggregate classification (germline): Uncertain significance. Review status: criteria provided, multiple submitters, no conflicts (2 of 4 stars). 2 submissions from 2 submitters: Uncertain significance (2). Last evaluated 2025-09-08.

Allele frequency attached by ClinVar (database versions not stated): gnomAD exomes below 0.00001; ExAC 0.00001; TOPMed 0.00002; gnomAD 0.00003; ESP Exome Variant Server 0.00008.
gnomAD v4.1: 11 of 1,614,026 alleles (0.00068%); highest among the groups gnomAD compares: African/African-American, 0.004%; no homozygotes.

Submissions (2):

Labcorp Genetics (formerly Invitae), Labcorp
Classification: Uncertain significance. Last evaluated: 2025-09-08. Review status: criteria provided, single submitter. Criteria: Invitae Variant Classification Sherloc (09022015). Collection method: clinical testing. Allele origin: germline.
Comment: This sequence change replaces isoleucine, which is neutral and non-polar, with threonine, which is neutral and polar, at codon 77 of the TRAF3IP1 protein (p.Ile77Thr). This variant is present in population databases (rs143375220, gnomAD 0.01%). This variant has not been reported in the literature in individuals affected with TRAF3IP1-related conditions. ClinVar contains an entry for this variant (Variation ID: 1926982). Invitae Evidence Modeling of protein sequence and biophysical properties (such as structural, functional, and spatial information, amino acid conservation, physicochemical variation, residue mobility, and thermodynamic stability) indicates that this missense variant is expected to disrupt TRAF3IP1 protein function with a positive predictive value of 80%. In summary, the available evidence is currently insufficient to determine the role of this variant in disease. Therefore, it has been classified as a Variant of Uncertain Significance.

Blueprint Genetics
Classification: Uncertain significance. Last evaluated: 2019-01-07. Review status: criteria provided, single submitter. Criteria: ACMG Guidelines, 2015. Collection method: clinical testing. Allele origin: germline.

NM_015650.4(IFT54):c.230T>C (p.Ile77Thr)

Gene: IFT54 (intraflagellar transport 54; plus strand). Cytogenetic location: 2q37.3.
Variant type: single nucleotide variant.
Coding change: c.230T>C on transcript NM_015650.4 (MANE Select); coding-DNA position 230, T replaced by C.
Protein change: p.Ile77Thr; replaces isoleucine 77 with threonine.
Molecular consequence: missense variant.
Genome position (GRCh38, 1-based): chr2:238,325,846, T>C. VCF-style: chr2-238325846-T-C. GRCh37 (hg19) VCF-style: chr2-239234487-T-C.
Other names: c.230T>C, p.Ile77Thr (NM_001139490.1); short protein forms I77T.
Identifiers: ClinVar variation 1926982 (VCV001926982.5), dbSNP rs143375220, ClinGen allele CA2197989.